The following is an entry in ClinVar:

ClinVar aggregate classification (germline): Benign (1 of 4 stars; one submission).

Allele frequency attached by ClinVar (database versions not stated): TOPMed 0.00056; ExAC 0.00088; ESP Exome Variant Server 0.00096; gnomAD exomes 0.00123.
gnomAD v4.1: 1,303 of 1,115,843 alleles (0.12%); highest among the groups gnomAD compares: Non-Finnish European, 0.15%; 1 homozygote.

Submission:

CeGaT Center for Human Genetics Tuebingen
Classification: Benign. Last evaluated: 2022-05-01. Review status: criteria provided, single submitter. Criteria: CeGaT Center For Human Genetics Tuebingen Variant Classification Criteria Version 2. Collection method: clinical testing. Allele origin: germline. Affected: yes. Observed: 1 variant allele.
Comment: NRK: BP4, BS1, BS2

NM_198465.4(NRK):c.2302C>G (p.Gln768Glu)

Gene: NRK (Nik related kinase; plus strand). Cytogenetic location: Xq22.3.
Variant type: single nucleotide variant.
Coding change: c.2302C>G on transcript NM_198465.4 (MANE Select); coding-DNA position 2302, C replaced by G.
Protein change: p.Gln768Glu; replaces glutamine 768 with glutamic acid.
Molecular consequence: missense variant.
Genome position (GRCh38, 1-based): chrX:105,912,708, C>G. VCF-style: chrX-105912708-C-G. GRCh37 (hg19) VCF-style: chrX-105156700-C-G.
Other names: short protein forms Q768E.
Identifiers: ClinVar variation 2661127 (VCV002661127.24), dbSNP rs199807026, ClinGen allele CA10481160.
Genomic context (GRCh38, chrX:105,912,708, plus strand): 5'-GACAAAGAAGATGAATCATCAGACAATGATGAAGTATTTCATTCGATTCAGGCTGAAGTC[C>G]AGATAGAGCCATTGAAGCCATACATTTCAAATCCTAAAAAAATTGAGGTAAATTTTTCAA-3'
Protein context (NP_940867.2, residues 758-778): EVFHSIQAEV[Gln768Glu]IEPLKPYISN